The following is an entry in ClinVar:

NM_176787.5(PIGN):c.2750C>T (p.Thr917Met)

Gene: PIGN (phosphatidylinositol glycan anchor biosynthesis class N; minus strand). Cytogenetic location: 18q21.33.
Variant type: single nucleotide variant.
Coding change: c.2750C>T on transcript NM_176787.5 (MANE Select); coding-DNA position 2750, C replaced by T.
Protein change: p.Thr917Met; replaces threonine 917 with methionine.
Molecular consequence: missense variant.
Genome position (GRCh38, 1-based): chr18:62,045,902, G>A on the plus strand (C>T on the coding strand, the complement: PIGN is on the minus strand). VCF-style: chr18-62045902-G-A. GRCh37 (hg19) VCF-style: chr18-59713135-G-A.
Other names: c.2750C>T, p.Thr917Met (NM_012327.6); short protein forms T917M.
Identifiers: ClinVar variation 586231 (VCV000586231.17), dbSNP rs61755364, ClinGen allele CA8981873.
Genomic context (GRCh38, chr18:62,045,902, plus strand): 5'-GTGCTTCAGCAACCTCACATGAAGTGACTTTTGGGTTTGCCACATAGTCTGAGTTTCTTC[G>A]TTGTGAGCAGCTGGGCCAGGCCATTGAGGAACACCAAAAAGATGGTCATGGACATGACAA-3'
Protein context (NP_789744.1, residues 907-927): FLNGLAQLLT[Thr917Met]KKLRLCGKPK

ClinVar aggregate classification (germline): Uncertain significance. Review status: criteria provided, multiple submitters, no conflicts (2 of 4 stars). 6 submissions from 6 submitters: Uncertain significance (6). Last evaluated 2024-09-13.

Conditions:
Multiple congenital anomalies-hypotonia-seizures syndrome 1 (MCAHS1). Also called: PIGN-CDG; Congenital disorder of glycosylation due to PIGN deficiency; GLYCOSYLPHOSPHATIDYLINOSITOL BIOSYNTHESIS DEFECT 3. Identifiers: Orphanet 280633, MedGen C3279775, MONDO:0013563, OMIM 614080.
Inborn genetic diseases. Identifiers: MedGen C0950123, MeSH D030342.

Allele frequency attached by ClinVar (database versions not stated): ESP Exome Variant Server 0.00008; gnomAD 0.00014; gnomAD exomes 0.00015 and 0.00020; ExAC 0.00018; TOPMed 0.00019.
gnomAD v4.1: 307 of 1,613,778 alleles (0.019%); highest among the groups gnomAD compares: Non-Finnish European, 0.024%; no homozygotes.

Submissions (6):

Blueprint Genetics
Classification: Uncertain significance. Last evaluated: 2024-09-13. Review status: criteria provided, single submitter. Criteria: ACMG Guidelines, 2015. Collection method: clinical testing. Allele origin: germline.

Women's Health and Genetics/Laboratory Corporation of America, LabCorp
Classification: Uncertain significance. Last evaluated: 2023-09-01. Review status: criteria provided, single submitter. Criteria: LabCorp Variant Classification Summary - May 2015. Collection method: clinical testing. Allele origin: germline.
Comment: Variant summary: PIGN c.2750C>T (p.Thr917Met) results in a non-conservative amino acid change in the encoded protein sequence. Four of five in-silico tools predict a damaging effect of the variant on protein function. The variant allele was found at a frequency of 0.00015 in 249030 control chromosomes (gnomAD). The variant, c.2750C>T, has been reported in the literature in an individual affected with autism spectrum disorder (ASD), but without providing supportive evidence for causality (Zhou_2022). This report does not provide unequivocal conclusions about association of the variant with Multiple Congenital Anomalies-Hypotonia Syndrome 1. To our knowledge, no experimental evidence demonstrating an impact on protein function has been reported. The following publication have been ascertained in the context of this evaluation (PMID: 35982159). Four submitters have cited clinical-significance assessments for this variant to ClinVar after 2014. All submitters classified the variant as uncertain significance. Based on the evidence outlined above, the variant was classified as uncertain significance.

GeneDx
Classification: Uncertain significance. Last evaluated: 2023-08-23. Review status: criteria provided, single submitter. Criteria: GeneDx Variant Classification Process June 2021. Collection method: clinical testing. Allele origin: germline. Affected: yes.
Comment: In silico analysis supports that this missense variant does not alter protein structure/function; This variant is associated with the following publications: (PMID: 35982159)

Labcorp Genetics (formerly Invitae), Labcorp
Classification: Uncertain significance for Multiple congenital anomalies-hypotonia-seizures syndrome 1. Last evaluated: 2022-09-06. Review status: criteria provided, single submitter. Criteria: Invitae Variant Classification Sherloc (09022015). Collection method: clinical testing. Allele origin: germline.
Comment: This sequence change replaces threonine, which is neutral and polar, with methionine, which is neutral and non-polar, at codon 917 of the PIGN protein (p.Thr917Met). This variant is present in population databases (rs61755364, gnomAD 0.02%). This variant has not been reported in the literature in individuals affected with PIGN-related conditions. ClinVar contains an entry for this variant (Variation ID: 586231). Algorithms developed to predict the effect of missense changes on protein structure and function are either unavailable or do not agree on the potential impact of this missense change (SIFT: "Deleterious"; PolyPhen-2: "Possibly Damaging"; Align-GVGD: "Class C0"). In summary, the available evidence is currently insufficient to determine the role of this variant in disease. Therefore, it has been classified as a Variant of Uncertain Significance.

Ambry Genetics
Classification: Uncertain significance for Inborn genetic diseases. Last evaluated: 2020-12-28. Review status: criteria provided, single submitter. Criteria: Ambry Variant Classification Scheme 2023. Collection method: clinical testing. Allele origin: germline.
Comment: The c.2750C>T (p.T917M) alteration is located in exon 31 (coding exon 28) of the PIGN gene. This alteration results from a C to T substitution at nucleotide position 2750, causing the threonine (T) at amino acid position 917 to be replaced by a methionine (M). The p.T917M alteration is predicted to be tolerated by in silico analysis. Based on insufficient or conflicting evidence, the clinical significance of this alteration remains unclear.

Athena Diagnostics
Classification: Uncertain significance. Last evaluated: 2017-11-15. Review status: criteria provided, single submitter. Criteria: Athena Diagnostics Criteria. Collection method: clinical testing. Allele origin: germline.

Literature cited by the submitters: PubMed 35982159 (cited by Women's Health and Genetics/Laboratory Corporation of America, LabCorp).